The following is an entry in ClinVar:

NM_001136193.2(FASTKD2):c.613C>T (p.Arg205Ter)

Gene: FASTKD2 (FASTK mitochondrial RNA regulator 2; plus strand). Cytogenetic location: 2q33.3.
Variant type: single nucleotide variant.
Coding change: c.613C>T on transcript NM_001136193.2 (MANE Select); coding-DNA position 613, C replaced by T.
Protein change: p.Arg205Ter; replaces arginine 205 with a stop codon.
Molecular consequence: nonsense.
Genome position (GRCh38, 1-based): chr2:206,767,306, C>T. VCF-style: chr2-206767306-C-T. GRCh37 (hg19) VCF-style: chr2-207632030-C-T.
Other names: FASTKD2, ARG205TER (rs758094541); c.613C>T, p.Arg205Ter (NM_001136194.2, NM_014929.4); short protein forms R205*.
Identifiers: ClinVar variation 870460 (VCV000870460.4), dbSNP rs758094541, ClinGen allele CA2074910.

ClinVar aggregate classification (germline): Likely pathogenic. Review status: criteria provided, single submitter (1 of 4 stars). 2 submissions from 2 submitters: Likely pathogenic (1). 1 of the submissions does not count toward it.

Conditions:
Combined oxidative phosphorylation deficiency 44. Also called: FASTKD2-Related Combined Oxidative Phosphorylation Deficiency. Identifiers: MedGen C5394293, MONDO:0030020, OMIM 618855.

Allele frequency attached by ClinVar (database versions not stated): ExAC 0.00001; gnomAD 0.00001; gnomAD exomes 0.00001.
gnomAD v4.1: 5 of 1,614,012 alleles (0.00031%); highest among the groups gnomAD compares: East Asian, 0.0022%; no homozygotes.

Submissions (2):

Juno Genomics, Hangzhou Juno Genomics, Inc
Classification: Likely pathogenic for Combined oxidative phosphorylation deficiency 44. Review status: criteria provided, single submitter. Criteria: ACMG Guidelines, 2015. Collection method: clinical testing. Allele origin: germline.
Comment: Null variant in a gene where loss of function (LOF) is a known mechanism of disease.;Absent from controls (or at extremely low frequency if recessive) in Genome Aggregation Database.

OMIM
Classification: Pathogenic for COMBINED OXIDATIVE PHOSPHORYLATION DEFICIENCY 44. Last evaluated: 2020-05-01. Review status: no assertion criteria provided. Collection method: literature only. Allele origin: germline. Not counted in ClinVar's aggregate classification.

Literature cited by the submitters: PubMed 28499982 (cited by OMIM).